The following is an entry in ClinVar:

NM_020921.4(NIN):c.2788C>A (p.Gln930Lys)

Gene: NIN (ninein; minus strand). Cytogenetic location: 14q22.1.
Variant type: single nucleotide variant.
Coding change: c.2788C>A on transcript NM_020921.4 (MANE Select); coding-DNA position 2788, C replaced by A.
Protein change: p.Gln930Lys; replaces glutamine 930 with lysine.
Molecular consequence: missense variant. On other transcripts: intron variant (1).
Genome position (GRCh38, 1-based): chr14:50,758,242, G>T on the plus strand (C>A on the coding strand, the complement: NIN is on the minus strand). VCF-style: chr14-50758242-G-T. GRCh37 (hg19) VCF-style: chr14-51224960-G-T.
Other names: c.2788C>A, p.Gln930Lys (NM_182944.3, NM_182946.2); c.2399+1615C>A (NM_016350.5); short protein forms Q930K.
Identifiers: ClinVar variation 3663415 (VCV003663415.2).

ClinVar aggregate classification (germline): Uncertain significance (1 of 4 stars; one submission).

Submission:

Labcorp Genetics (formerly Invitae), Labcorp
Classification: Uncertain significance. Last evaluated: 2024-11-02. Review status: criteria provided, single submitter. Criteria: Invitae Variant Classification Sherloc (09022015). Collection method: clinical testing. Allele origin: germline.
Comment: This sequence change replaces glutamine, which is neutral and polar, with lysine, which is basic and polar, at codon 930 of the NIN protein (p.Gln930Lys). This variant is not present in population databases (gnomAD no frequency). This variant has not been reported in the literature in individuals affected with NIN-related conditions. An algorithm developed to predict the effect of missense changes on protein structure and function (PolyPhen-2) suggests that this variant is likely to be tolerated. In summary, the available evidence is currently insufficient to determine the role of this variant in disease. Therefore, it has been classified as a Variant of Uncertain Significance.